The following is an entry in ClinVar:

NM_000824.5(GLRB):c.745G>A (p.Gly249Ser)

Gene: GLRB (glycine receptor beta; plus strand). Cytogenetic location: 4q32.1.
Variant type: single nucleotide variant.
Coding change: c.745G>A on transcript NM_000824.5 (MANE Select); coding-DNA position 745, G replaced by A.
Protein change: p.Gly249Ser; replaces glycine 249 with serine.
Molecular consequence: missense variant.
Genome position (GRCh38, 1-based): chr4:157,138,943, G>A. VCF-style: chr4-157138943-G-A. GRCh37 (hg19) VCF-style: chr4-158060095-G-A.
Other names: c.745G>A, p.Gly249Ser (NM_001166060.2, NM_001166061.2); short protein forms G249S.
Identifiers: ClinVar variation 1519561 (VCV001519561.8), dbSNP rs1174129188, ClinGen allele CA358643832.

ClinVar aggregate classification (germline): Uncertain significance (1 of 4 stars; one submission).

Conditions:
Hyperekplexia 2 (HKPX2). Identifiers: Orphanet 3197, MedGen C3553291, MONDO:0013828, OMIM 614619.

Submission:

Labcorp Genetics (formerly Invitae), Labcorp
Classification: Uncertain significance for Hyperekplexia 2. Last evaluated: 2021-05-16. Review status: criteria provided, single submitter. Criteria: Invitae Variant Classification Sherloc (09022015). Collection method: clinical testing. Allele origin: germline.
Comment: This sequence change replaces glycine with serine at codon 249 of the GLRB protein (p.Gly249Ser). The glycine residue is highly conserved and there is a small physicochemical difference between glycine and serine. This variant is not present in population databases (ExAC no frequency). This variant has not been reported in the literature in individuals with GLRB-related conditions. Advanced modeling of protein sequence and biophysical properties (such as structural, functional, and spatial information, amino acid conservation, physicochemical variation, residue mobility, and thermodynamic stability) performed at Invitae indicates that this missense variant is not expected to disrupt GLRB protein function. In summary, the available evidence is currently insufficient to determine the role of this variant in disease. Therefore, it has been classified as a Variant of Uncertain Significance.